The following is an entry in ClinVar:

ClinVar aggregate classification (germline): Conflicting classifications of pathogenicity. Review status: criteria provided, conflicting classifications (1 of 4 stars). 4 submissions from 4 submitters: Uncertain significance (2); Likely benign (2). Last evaluated 2025-10-29.

Conditions:
Immunodeficiency, common variable, 12 (CVID12). Also called: NFKB1 DEFICIENCY; IMMUNODEFICIENCY, COMMON VARIABLE, 12, WITH AUTOIMMUNITY. Identifiers: Orphanet 1572, Orphanet 696874, MedGen C4225277, MONDO:0014697, OMIM 616576.

Allele frequency attached by ClinVar (database versions not stated): ExAC 0.00004; gnomAD exomes 0.00004 and 0.00012; TOPMed 0.00006; ESP Exome Variant Server 0.00008; gnomAD 0.00009 and 0.00010.
gnomAD v4.1: 186 of 1,609,630 alleles (0.012%); highest among the groups gnomAD compares: Middle Eastern, 0.017%; no homozygotes.

Submissions (4):

Labcorp Genetics (formerly Invitae), Labcorp
Classification: Uncertain significance. Last evaluated: 2025-10-29. Review status: criteria provided, single submitter. Criteria: Invitae Variant Classification Sherloc (09022015). Collection method: clinical testing. Allele origin: germline.
Comment: This sequence change replaces arginine, which is basic and polar, with glutamine, which is neutral and polar, at codon 187 of the NFKB1 protein (p.Arg187Gln). This variant is present in population databases (rs201874528, gnomAD 0.01%). This variant has not been reported in the literature in individuals affected with NFKB1-related conditions. ClinVar contains an entry for this variant (Variation ID: 1367916). Invitae Evidence Modeling of protein sequence and biophysical properties (such as structural, functional, and spatial information, amino acid conservation, physicochemical variation, residue mobility, and thermodynamic stability) indicates that this missense variant is not expected to disrupt NFKB1 protein function with a negative predictive value of 80%. In summary, the available evidence is currently insufficient to determine the role of this variant in disease. Therefore, it has been classified as a Variant of Uncertain Significance.

CeGaT Center for Human Genetics Tuebingen
Classification: Likely benign. Last evaluated: 2025-01-01. Review status: criteria provided, single submitter. Criteria: CeGaT Center For Human Genetics Tuebingen Variant Classification Criteria Version 2. Collection method: clinical testing. Allele origin: germline. Affected: yes. Observed: 3 variant alleles.
Comment: NFKB1: BP4

Blueprint Genetics
Classification: Likely benign. Last evaluated: 2024-10-07. Review status: criteria provided, single submitter. Criteria: ACMG Guidelines, 2015. Collection method: clinical testing. Allele origin: germline.

Department of Pathology and Laboratory Medicine, Sinai Health System
Classification: Uncertain significance for Immunodeficiency, common variable, 12. Last evaluated: 2023-02-21. Review status: criteria provided, single submitter. Criteria: ACMG Guidelines, 2015. Collection method: research. Allele origin: germline.

NM_003998.4(NFKB1):c.560G>A (p.Arg187Gln)

Gene: NFKB1 (nuclear factor kappa B subunit 1; plus strand). Cytogenetic location: 4q24.
Variant type: single nucleotide variant.
Coding change: c.560G>A on transcript NM_003998.4 (MANE Select); coding-DNA position 560, G replaced by A.
Protein change: p.Arg187Gln; replaces arginine 187 with glutamine.
Molecular consequence: missense variant.
Genome position (GRCh38, 1-based): chr4:102,577,028, G>A. VCF-style: chr4-102577028-G-A. GRCh37 (hg19) VCF-style: chr4-103498185-G-A.
Other names: c.557G>A, p.Arg186Gln (NM_001165412.2, NM_001319226.2, NM_001382627.1); c.560G>A, p.Arg187Gln (NM_001382625.1, NM_001382626.1); c.518G>A, p.Arg173Gln (NM_001382628.1); short protein forms R186Q, R187Q, R173Q.
Identifiers: ClinVar variation 1367916 (VCV001367916.41), dbSNP rs201874528, ClinGen allele CA3025903.